The following is an entry in ClinVar:

NM_001004334.4(GPR179):c.627C>T (p.Leu209=)

Gene: GPR179 (G protein-coupled receptor 179; minus strand). Cytogenetic location: 17q12.
Variant type: single nucleotide variant.
Coding change: c.627C>T on transcript NM_001004334.4 (MANE Select); coding-DNA position 627, C replaced by T.
Protein change: p.Leu209=; no amino-acid change (leucine 209 retained).
Molecular consequence: synonymous variant.
Genome position (GRCh38, 1-based): chr17:38,343,163, G>A on the plus strand (C>T on the coding strand, the complement: GPR179 is on the minus strand). VCF-style: chr17-38343163-G-A. GRCh37 (hg19) VCF-style: chr17-36499046-G-A.
Other names: c.627C>T (NM_001004334.3).
Identifiers: ClinVar variation 323037 (VCV000323037.15), dbSNP rs143660134, ClinGen allele CA10650049.

ClinVar aggregate classification (germline): Benign/Likely benign. Review status: criteria provided, multiple submitters, no conflicts (2 of 4 stars). 4 submissions from 4 submitters: Benign (1); Likely benign (2). 1 of the submissions does not count toward it. Last evaluated 2025-10-20.

Conditions:
GPR179-related disorder. Also called: GPR179-related condition.
Congenital stationary night blindness 1E. Also called: Night blindness, congenital stationary (complete), 1E, autosomal recessive. Identifiers: Orphanet 215, MedGen C3281215, MONDO:0013807, OMIM 614565.

Allele frequency attached by ClinVar (database versions not stated): gnomAD exomes 0.00020 and 0.00067; gnomAD 0.00024 and 0.00028; TOPMed 0.00032; ExAC 0.00073; 1000 Genomes Project 0.00120; 1000 Genomes Project 30x 0.00125.
gnomAD v4.1: 337 of 1,614,106 alleles (0.021%); highest among the groups gnomAD compares: East Asian, 0.68%; 1 homozygote.

Submissions (4):

Labcorp Genetics (formerly Invitae), Labcorp
Classification: Benign. Last evaluated: 2025-10-20. Review status: criteria provided, single submitter. Criteria: Invitae Variant Classification Sherloc (09022015). Collection method: clinical testing. Allele origin: germline.

Blueprint Genetics
Classification: Likely benign. Last evaluated: 2024-08-30. Review status: criteria provided, single submitter. Criteria: ACMG Guidelines, 2015. Collection method: clinical testing. Allele origin: germline.

Illumina Laboratory Services, Illumina
Classification: Likely benign for Congenital stationary night blindness 1E. Last evaluated: 2018-01-12. Review status: criteria provided, single submitter. Criteria: ICSL Variant Classification Criteria 13 December 2019. Collection method: clinical testing. Allele origin: germline.
Comment: This variant was observed in the ICSL laboratory as part of a predisposition screen in an ostensibly healthy population. It had not been previously curated by ICSL or reported in the Human Gene Mutation Database (HGMD: prior to June 1st, 2018), and was therefore a candidate for classification through an automated scoring system. Utilizing variant allele frequency, disease prevalence and penetrance estimates, and inheritance mode, an automated score was calculated to assess if this variant is too frequent to cause the disease. Based on the score and internal cut-off values, a variant classified as likely benign is not then subjected to further curation. The score for this variant resulted in a classification of likely benign for this disease.

PreventionGenetics, part of Exact Sciences
Classification: Benign for GPR179-related condition. Last evaluated: 2019-09-19. Review status: no assertion criteria provided. Collection method: clinical testing. Allele origin: germline. Not counted in ClinVar's aggregate classification.
Comment: This variant is classified as benign based on ACMG/AMP sequence variant interpretation guidelines (Richards et al. 2015 PMID: 25741868, with internal and published modifications).